The following is an entry in ClinVar:

NM_203446.3(SYNJ1):c.20T>A (p.Phe7Tyr)

Gene: SYNJ1 (synaptojanin 1; minus strand). Cytogenetic location: 21q22.11.
Variant type: single nucleotide variant.
Coding change: c.20T>A on transcript NM_203446.3 (MANE Select); coding-DNA position 20, T replaced by A.
Protein change: p.Phe7Tyr; replaces phenylalanine 7 with tyrosine.
Molecular consequence: missense variant.
Genome position (GRCh38, 1-based): chr21:32,726,876, A>T on the plus strand (T>A on the coding strand, the complement: SYNJ1 is on the minus strand). VCF-style: chr21-32726876-A-T. GRCh37 (hg19) VCF-style: chr21-34099187-A-T.
Other names: c.20T>A, p.Phe7Tyr (NM_001160302.2, NM_001160306.2); c.137T>A, p.Phe46Tyr (NM_003895.4); short protein forms F46Y, F7Y.
Identifiers: ClinVar variation 570462 (VCV000570462.51), dbSNP rs748690832, ClinGen allele CA10004230.

ClinVar aggregate classification (germline): Uncertain significance. Review status: criteria provided, multiple submitters, no conflicts (2 of 4 stars). 4 submissions from 4 submitters: Uncertain significance (4). Last evaluated 2026-01-14.

Conditions:
Inborn genetic diseases. Identifiers: MedGen C0950123, MeSH D030342.
Early-onset Parkinson disease 20. Also called: PARKINSON DISEASE 20, AUTOSOMAL RECESSIVE EARLY-ONSET. Identifiers: Orphanet 391411, MedGen C3809824, MONDO:0014233, OMIM 615530.
Developmental and epileptic encephalopathy, 53. Also called: Epileptic encephalopathy, early infantile, 53. Identifiers: MedGen C4479313, MONDO:0033362, OMIM 617389.

Allele frequency attached by ClinVar (database versions not stated): gnomAD 0.00003; gnomAD exomes 0.00004 and 0.00007; TOPMed 0.00005; ExAC 0.00006.
gnomAD v4.1: 101 of 1,614,058 alleles (0.0063%); highest among the groups gnomAD compares: Middle Eastern, 0.016%; no homozygotes.

Submissions (4):

Labcorp Genetics (formerly Invitae), Labcorp
Classification: Uncertain significance for Developmental and epileptic encephalopathy, 53; Early-onset Parkinson disease 20. Last evaluated: 2026-01-14. Review status: criteria provided, single submitter. Criteria: Invitae Variant Classification Sherloc (09022015). Collection method: clinical testing. Allele origin: germline.
Comment: This sequence change replaces phenylalanine, which is neutral and non-polar, with tyrosine, which is neutral and polar, at codon 46 of the SYNJ1 protein (p.Phe46Tyr). This variant is present in population databases (rs748690832, gnomAD 0.007%). This variant has not been reported in the literature in individuals affected with SYNJ1-related conditions. ClinVar contains an entry for this variant (Variation ID: 570462). Invitae Evidence Modeling of protein sequence and biophysical properties (such as structural, functional, and spatial information, amino acid conservation, physicochemical variation, residue mobility, and thermodynamic stability) indicates that this missense variant is not expected to disrupt SYNJ1 protein function with a negative predictive value of 80%. In summary, the available evidence is currently insufficient to determine the role of this variant in disease. Therefore, it has been classified as a Variant of Uncertain Significance.

Ambry Genetics
Classification: Uncertain significance for Inborn genetic diseases. Last evaluated: 2025-03-07. Review status: criteria provided, single submitter. Criteria: Ambry Variant Classification Scheme 2023. Collection method: clinical testing. Allele origin: germline.

GeneDx
Classification: Uncertain significance. Last evaluated: 2024-12-22. Review status: criteria provided, single submitter. Criteria: GeneDx Variant Classification Process June 2021. Collection method: clinical testing. Allele origin: germline. Affected: yes.
Comment: Not observed at significant frequency in large population cohorts (gnomAD); In silico analysis indicates that this missense variant does not alter protein structure/function; Has not been previously published as pathogenic or benign to our knowledge

CeGaT Center for Human Genetics Tuebingen
Classification: Uncertain significance. Last evaluated: 2019-09-01. Review status: criteria provided, single submitter. Criteria: CeGaT Center For Human Genetics Tuebingen Variant Classification Criteria Version 2. Collection method: clinical testing. Allele origin: germline. Affected: yes. Observed: 1 variant allele.